The following is an entry in ClinVar:

ClinVar aggregate classification (germline): Pathogenic/Likely pathogenic. Review status: criteria provided, multiple submitters, no conflicts (2 of 4 stars). 3 submissions from 3 submitters: Pathogenic (1); Likely pathogenic (1). 1 of the submissions does not count toward it. Last evaluated 2023-10-28.

Conditions:
Tuberous sclerosis syndrome (TSC). Also called: Tuberous Sclerosis Complex; Tuberous sclerosis. Identifiers: Orphanet 805, MedGen C0041341, MONDO:0001734.
Tuberous sclerosis 1 (TSC1). Identifiers: Orphanet 805, MedGen C1854465, MONDO:0008612, OMIM 191100.

Submissions (3):

Labcorp Genetics (formerly Invitae), Labcorp
Classification: Pathogenic for Tuberous sclerosis 1. Last evaluated: 2023-10-28. Review status: criteria provided, single submitter. Criteria: Invitae Variant Classification Sherloc (09022015). Collection method: clinical testing. Allele origin: germline.
Comment: This sequence change affects a donor splice site in intron 5 of the TSC1 gene. It is expected to disrupt RNA splicing. Variants that disrupt the donor or acceptor splice site typically lead to a loss of protein function (PMID: 16199547), and loss-of-function variants in TSC1 are known to be pathogenic (PMID: 10227394, 17304050). This variant is not present in population databases (gnomAD no frequency). Disruption of this splice site has been observed in individual(s) with tuberous sclerosis complex (PMID: 32461669; Invitae). ClinVar contains an entry for this variant (Variation ID: 49030). Algorithms developed to predict the effect of sequence changes on RNA splicing suggest that this variant may disrupt the consensus splice site. For these reasons, this variant has been classified as Pathogenic.

Division of Genomic Medicine, Department of Advanced Medicine, Medical Research Institute, Kanazawa Medical University
Classification: Likely pathogenic for Tuberous sclerosis 1. Last evaluated: 2022-08-01. Review status: criteria provided, single submitter. Criteria: ACMG Guidelines, 2015. Collection method: clinical testing. Allele origin: germline. Affected: yes. Observed: 1 variant allele.
Comment: This base paire substitution promote exon 5 skip of the TSC1 gene. However, exon 5 skip is an in-frame of 153 base paires, and is also observed in low frequency in wild type allele. This base paire substitution is not found in the general population.

Tuberous sclerosis database (TSC1)
No classification provided. Condition: TSC. Review status: no classification provided. Criteria: Tuberous Sclerosis Database Assertion Criteria 2015. Collection method: curation. Allele origin: germline. Affected: yes. Not counted in ClinVar's aggregate classification.

Literature cited by the submitters: PubMed 16199547 (cited by Labcorp Genetics (formerly Invitae), Labcorp); PubMed 10227394 (cited by Labcorp Genetics (formerly Invitae), Labcorp); PubMed 17304050 (cited by Labcorp Genetics (formerly Invitae), Labcorp); PubMed 32461669 (cited by Labcorp Genetics (formerly Invitae), Labcorp).

NM_000368.5(TSC1):c.363+1G>T

Gene: TSC1 (TSC complex subunit 1; minus strand). Cytogenetic location: 9q34.13.
Variant type: single nucleotide variant.
Coding change: c.363+1G>T on transcript NM_000368.5 (MANE Select); the canonical splice donor site of the intron after coding-DNA position 363, G replaced by T.
Molecular consequence: splice donor variant. On other transcripts: intron variant (5).
Genome position (GRCh38, 1-based): chr9:132,925,586, C>A on the plus strand (G>T on the coding strand, the complement: TSC1 is on the minus strand). VCF-style: chr9-132925586-C-A. GRCh37 (hg19) VCF-style: chr9-135800973-C-A.
Other names: c.-1+1G>T (NM_001406620.1, NM_001406618.1, NM_001406625.1 and 5 more transcripts); c.210+1615G>T (NM_001406613.1, NM_001406612.1, NM_001406610.1 and 2 more transcripts); c.-515+1G>T (NM_001406627.1, NM_001406628.1, NM_001406626.1); c.-657+1G>T (NM_001406629.1); c.363+1G>T (NM_001406603.1, NM_001406609.1, NM_001406597.1 and 16 more transcripts); c.-93+1G>T (NM_001406614.1, NM_001406624.1, NM_001406616.1); c.-731+1G>T (NM_001406630.1); c.-126+1G>T (NM_001406623.1, NM_001406615.1).
Identifiers: ClinVar variation 49030 (VCV000049030.10), dbSNP rs118203372, ClinGen allele CA007434.